The following is an entry in ClinVar:

ClinVar aggregate classification (germline): Uncertain significance (1 of 4 stars; one submission).

Submission:

Labcorp Genetics (formerly Invitae), Labcorp
Classification: Uncertain significance. Last evaluated: 2022-10-24. Review status: criteria provided, single submitter. Criteria: Invitae Variant Classification Sherloc (09022015). Collection method: clinical testing. Allele origin: germline.
Comment: Advanced modeling of protein sequence and biophysical properties (such as structural, functional, and spatial information, amino acid conservation, physicochemical variation, residue mobility, and thermodynamic stability) performed at Invitae indicates that this missense variant is not expected to disrupt CNGB1 protein function. ClinVar contains an entry for this variant (Variation ID: 1362773). This variant has not been reported in the literature in individuals affected with CNGB1-related conditions. This variant is not present in population databases (gnomAD no frequency). This sequence change replaces glutamic acid, which is acidic and polar, with lysine, which is basic and polar, at codon 335 of the CNGB1 protein (p.Glu335Lys). Algorithms developed to predict the effect of sequence changes on RNA splicing suggest that this variant may disrupt the consensus splice site. In summary, the available evidence is currently insufficient to determine the role of this variant in disease. Therefore, it has been classified as a Variant of Uncertain Significance.

NM_001297.5(CNGB1):c.1003G>A (p.Glu335Lys)

Gene: CNGB1 (cyclic nucleotide gated channel subunit beta 1; minus strand). Cytogenetic location: 16q21.
Variant type: single nucleotide variant.
Coding change: c.1003G>A on transcript NM_001297.5 (MANE Select); coding-DNA position 1003, G replaced by A.
Protein change: p.Glu335Lys; replaces glutamic acid 335 with lysine.
Molecular consequence: missense variant.
Genome position (GRCh38, 1-based): chr16:57,950,412, C>T on the plus strand (G>A on the coding strand, the complement: CNGB1 is on the minus strand). VCF-style: chr16-57950412-C-T. GRCh37 (hg19) VCF-style: chr16-57984316-C-T.
Other names: c.985G>A, p.Glu329Lys (NM_001286130.2); short protein forms E335K, E329K.
Identifiers: ClinVar variation 1362773 (VCV001362773.6), dbSNP rs2149381761, ClinGen allele CA396075476.
Genomic context (GRCh38, chr16:57,950,412, plus strand): 5'-ATCTTTTAGGGTCTTCTCAGACTCCCCACCTGGGCATCTTCTCCACAGCTTTGTTCTCTT[C>T]TTCATAAGCTGGAACCACCTCTGTACCCTGTGGGCTGGTACTGACATCCTGGTGGGCATC-3'
Protein context (NP_001288.3, residues 325-345): QGTEVVPAYE[Glu335Lys]ENKAVEKMPR